The following is an entry in ClinVar:

NM_014844.5(TECPR2):c.3075+107C>T

Gene: TECPR2 (tectonin beta-propeller repeat containing 2; plus strand). Cytogenetic location: 14q32.31.
Variant type: single nucleotide variant.
Coding change: c.3075+107C>T on transcript NM_014844.5 (MANE Select); 107 bases into the intron after coding-DNA position 3075, C replaced by T.
Molecular consequence: intron variant.
Genome position (GRCh38, 1-based): chr14:102,446,054, C>T. VCF-style: chr14-102446054-C-T. GRCh37 (hg19) VCF-style: chr14-102912391-C-T.
Other names: c.3075+107C>T (NM_001172631.3).
Identifiers: ClinVar variation 672799 (VCV000672799.2), dbSNP rs78987088, ClinGen allele CA267068630.
Genomic context (GRCh38, chr14:102,446,054, plus strand): 5'-CTGCTTCCCCTTTTCTTACTTCTCTCTTTTCCTTAACGATACTAGATTAAATTTAAAATA[C>T]TCACTTTTTTATTATTTGTTTGTTTGTTTTGAAACAAGATCTCCTTCCGTCATCCAGGCG-3'

ClinVar aggregate classification (germline): Benign. Review status: criteria provided, multiple submitters, no conflicts (2 of 4 stars). 2 submissions from 2 submitters: Benign (2). Last evaluated 2018-06-14.

Allele frequency attached by ClinVar (database versions not stated): gnomAD 0.04163 and 0.04167; 1000 Genomes Project 30x 0.04279; 1000 Genomes Project 0.04313; TOPMed 0.04337.
gnomAD v4.1: 42,935 of 1,282,260 alleles (3.3%); highest among the groups gnomAD compares: African/African-American, 5.6%; 908 homozygotes.

Submissions (2):

GeneDx
Classification: Benign. Last evaluated: 2018-06-14. Review status: criteria provided, single submitter. Criteria: GeneDx Variant Classification (06012015). Collection method: clinical testing. Allele origin: germline. Affected: yes.
Comment: This variant is considered likely benign or benign based on one or more of the following criteria: it is a conservative change, it occurs at a poorly conserved position in the protein, it is predicted to be benign by multiple in silico algorithms, and/or has population frequency not consistent with disease.

Breakthrough Genomics
Classification: Benign. Review status: criteria provided, single submitter. Criteria: ACMG Guidelines, 2015. Collection method: not provided. Allele origin: germline. Inheritance: Autosomal recessive inheritance. Affected: yes.